The following is an entry in ClinVar:

NM_031439.4(SOX7):c.253dup (p.Ala85fs)

Gene: SOX7 (SRY-box transcription factor 7). Cytogenetic location: 8p23.1.
Variant type: Duplication.
Coding change: c.253dup on transcript NM_031439.4 (MANE Select); coding-DNA position 253, one base duplicated.
Protein change: p.Ala85fs; shifts the reading frame from alanine 85.
Molecular consequence: frameshift variant.
Genome position: GRCh38 VCF-style: chr8-10726651-G-GC. GRCh37 (hg19) VCF-style: chr8-10584161-G-GC.
Other names: short protein forms A85fs.
Identifiers: ClinVar variation 4995013 (VCV004995013.1).
Genomic context (GRCh38, chr8:10,726,651, plus strand): 5'-TGCTGCAGGCGCAGCCGCTCCGCCTCGTCCACGTACGGCCTCTTCTGGGACAGCGTCAGC[G>GC]CCTTCCACGACTTTCCTGCTCACACAAGGCAGAGGAGGCCATGCTCAGTGCTGTGCCCCG-3'

ClinVar aggregate classification (germline): Uncertain significance (1 of 4 stars; one submission).

Conditions:
SOX7-related disorder. Also called: SOX7-related condition.

Submission:

PreventionGenetics, part of Exact Sciences
Classification: Uncertain significance for SOX7-related condition. Last evaluated: 2026-09-04. Review status: criteria provided, single submitter. Criteria: ACMG Guidelines, 2015. Collection method: clinical testing. Allele origin: germline.
Comment: The SOX7 c.253dupG variant is predicted to result in a frameshift and premature protein termination (p.Ala85Glyfs*80). To our knowledge, this variant has not been reported in the literature or in a large population database (gnomAD), indicating this variant is rare. Loss of function is not an established mechanism of SOX7-related disease. At this time, the clinical significance of this variant is uncertain due to the absence of conclusive functional and genetic evidence.